The following is an entry in ClinVar:

NM_000051.4(ATM):c.3589G>T (p.Val1197Phe)

Gene: ATM (ATM serine/threonine kinase; plus strand). Cytogenetic location: 11q22.3.
Variant type: single nucleotide variant.
Coding change: c.3589G>T on transcript NM_000051.4 (MANE Select); coding-DNA position 3589, G replaced by T.
Protein change: p.Val1197Phe; replaces valine 1197 with phenylalanine.
Molecular consequence: missense variant.
Genome position (GRCh38, 1-based): chr11:108,282,722, G>T. VCF-style: chr11-108282722-G-T. GRCh37 (hg19) VCF-style: chr11-108153449-G-T.
Other names: c.3589G>T, p.Val1197Phe (NM_001351834.2); short protein forms V1197F.
Identifiers: ClinVar variation 4747202 (VCV004747202.1).

ClinVar aggregate classification (germline): Uncertain significance (1 of 4 stars; one submission).

Conditions:
Ataxia-telangiectasia syndrome (AT). Also called: Ataxia-telangiectasia, complementation group D; AT, COMPLEMENTATION GROUP C; Ataxia-telangiectasia; Ataxia telangiectasia (A-T); LOUIS-BAR SYNDROME; Cerebello-oculocutaneous telangiectasia. Identifiers: Orphanet 100, MedGen C0004135, MONDO:0008840, OMIM 208900.

Submission:

Labcorp Genetics (formerly Invitae), Labcorp
Classification: Uncertain significance for Ataxia-telangiectasia syndrome. Last evaluated: 2025-10-23. Review status: criteria provided, single submitter. Criteria: Invitae Variant Classification Sherloc (09022015). Collection method: clinical testing. Allele origin: germline.
Comment: This sequence change replaces valine, which is neutral and non-polar, with phenylalanine, which is neutral and non-polar, at codon 1197 of the ATM protein (p.Val1197Phe). This variant is not present in population databases (gnomAD no frequency). This variant has not been reported in the literature in individuals affected with ATM-related conditions. Invitae Evidence Modeling of protein sequence and biophysical properties (such as structural, functional, and spatial information, amino acid conservation, physicochemical variation, residue mobility, and thermodynamic stability) indicates that this missense variant is not expected to disrupt ATM protein function with a negative predictive value of 95%. In summary, the available evidence is currently insufficient to determine the role of this variant in disease. Therefore, it has been classified as a Variant of Uncertain Significance.